The following is an entry in ClinVar:

NM_001145809.2(MYH14):c.4761G>A (p.Glu1587=)

Gene: MYH14 (myosin heavy chain 14; plus strand). Cytogenetic location: 19q13.33.
Variant type: single nucleotide variant.
Coding change: c.4761G>A on transcript NM_001145809.2 (MANE Select); coding-DNA position 4761, G replaced by A.
Protein change: p.Glu1587=; no amino-acid change (glutamic acid 1587 retained).
Molecular consequence: synonymous variant.
Genome position (GRCh38, 1-based): chr19:50,289,444, G>A. VCF-style: chr19-50289444-G-A. GRCh37 (hg19) VCF-style: chr19-50792701-G-A.
Other names: c.4662G>A, p.Glu1554= (NM_001077186.2); c.4638G>A, p.Glu1546= (NM_024729.4).
Identifiers: ClinVar variation 1034064 (VCV001034064.1), dbSNP rs2035993400, ClinGen allele CA508178216.

ClinVar aggregate classification (germline): Uncertain significance (1 of 4 stars; one submission).

Conditions:
Peripheral neuropathy-myopathy-hoarseness-hearing loss syndrome. Identifiers: Orphanet 397744, MedGen C3280556, MONDO:0013711, OMIM 614369.

Allele frequency attached by ClinVar (database versions not stated): gnomAD exomes below 0.00001; gnomAD 0.00001.
gnomAD v4.1: 6 of 1,607,856 alleles (0.00037%); highest among the groups gnomAD compares: Non-Finnish European, 0.00051%; no homozygotes.

Submission:

Baylor Genetics
Classification: Uncertain significance for Peripheral neuropathy-myopathy-hoarseness-hearing loss syndrome. Last evaluated: 2018-01-31. Review status: criteria provided, single submitter. Criteria: ACMG Guidelines, 2015. Collection method: clinical testing. Allele origin: paternal. Affected: yes.
Comment: This variant was determined to be of uncertain significance according to ACMG Guidelines, 2015 [PMID:25741868].